The following is an entry in ClinVar:

ClinVar aggregate classification (germline): Likely benign. Review status: criteria provided, multiple submitters, no conflicts (2 of 4 stars). 2 submissions from 2 submitters: Likely benign (2). Last evaluated 2025-03-04.

Allele frequency attached by ClinVar (database versions not stated): ExAC 0.00003; gnomAD exomes 0.00005 and 0.00002; ESP Exome Variant Server 0.00008; gnomAD 0.00001; TOPMed 0.00002.
gnomAD v4.1: 69 of 1,613,698 alleles (0.0043%); highest among the groups gnomAD compares: Non-Finnish European, 0.0056%; no homozygotes.

Submissions (2):

Center for Genomic Medicine, Rigshospitalet, Copenhagen University Hospital
Classification: Likely benign. Last evaluated: 2025-03-04. Review status: criteria provided, single submitter. Criteria: ACMG Guidelines, 2015. Collection method: clinical testing. Allele origin: germline.

CeGaT Center for Human Genetics Tuebingen
Classification: Likely benign. Last evaluated: 2024-08-01. Review status: criteria provided, single submitter. Criteria: CeGaT Center For Human Genetics Tuebingen Variant Classification Criteria Version 2. Collection method: clinical testing. Allele origin: germline. Affected: yes. Observed: 1 variant allele.
Comment: FLCN: BP4, BP7

NM_144997.7(FLCN):c.871+35C>T

Gene: FLCN (folliculin; minus strand). Cytogenetic location: 17p11.2.
Variant type: single nucleotide variant.
Coding change: c.871+35C>T on transcript NM_144997.7 (MANE Select); 35 bases into the intron after coding-DNA position 871, C replaced by T.
Molecular consequence: intron variant. On other transcripts: synonymous variant (1).
Genome position (GRCh38, 1-based): chr17:17,221,502, G>A on the plus strand (C>T on the coding strand, the complement: FLCN is on the minus strand). VCF-style: chr17-17221502-G-A. GRCh37 (hg19) VCF-style: chr17-17124816-G-A.
Other names: c.906C>T, p.Pro302= (NM_144606.7); c.871+35C>T (NM_001353231.2, NM_001353230.2); c.925+35C>T (NM_001353229.2).
Identifiers: ClinVar variation 1697668 (VCV001697668.23), dbSNP rs370794931, ClinGen allele CA8416259.